The following is an entry in ClinVar:

NM_152468.5(TMC8):c.1533+3G>A

Genes: TMC8 (transmembrane channel like 8; plus strand), LOC130061795 (ATAC-STARR-seq lymphoblastoid active region 12864; plus strand). Cytogenetic location: 17q25.3.
Variant type: single nucleotide variant.
Coding change: c.1533+3G>A on transcript NM_152468.5 (MANE Select); 3 bases into the intron after coding-DNA position 1533, G replaced by A.
Molecular consequence: intron variant.
Genome position (GRCh38, 1-based): chr17:78,138,191, G>A. VCF-style: chr17-78138191-G-A. GRCh37 (hg19) VCF-style: chr17-76134272-G-A.
Identifiers: ClinVar variation 935669 (VCV000935669.7), dbSNP rs768734718, ClinGen allele CA8796892.

ClinVar aggregate classification (germline): Uncertain significance (1 of 4 stars; one submission).

Conditions:
Epidermodysplasia verruciformis. Identifiers: Orphanet 302, MedGen C0014522, MONDO:0009176.

Allele frequency attached by ClinVar (database versions not stated): gnomAD exomes below 0.00001; ExAC 0.00001.
gnomAD v4.1: 6 of 1,613,778 alleles (0.00037%); highest among the groups gnomAD compares: Middle Eastern, 0.016%; no homozygotes.

Submission:

Labcorp Genetics (formerly Invitae), Labcorp
Classification: Uncertain significance for Epidermodysplasia verruciformis. Last evaluated: 2024-02-17. Review status: criteria provided, single submitter. Criteria: Invitae Variant Classification Sherloc (09022015). Collection method: clinical testing. Allele origin: germline.
Comment: This sequence change falls in intron 12 of the TMC8 gene. It does not directly change the encoded amino acid sequence of the TMC8 protein. It affects a nucleotide within the consensus splice site. This variant is present in population databases (rs768734718, gnomAD no frequency). This variant has not been reported in the literature in individuals affected with TMC8-related conditions. ClinVar contains an entry for this variant (Variation ID: 935669). Variants that disrupt the consensus splice site are a relatively common cause of aberrant splicing (PMID: 17576681, 9536098). Algorithms developed to predict the effect of sequence changes on RNA splicing suggest that this variant is not likely to affect RNA splicing. In summary, the available evidence is currently insufficient to determine the role of this variant in disease. Therefore, it has been classified as a Variant of Uncertain Significance.

Literature cited by the submitters: PubMed 17576681; PubMed 9536098.